The following is an entry in ClinVar:

ClinVar aggregate classification (germline): Conflicting classifications of pathogenicity. Review status: criteria provided, conflicting classifications (1 of 4 stars). 7 submissions from 7 submitters: Uncertain significance (6); Likely benign (1). Last evaluated 2025-06-27.

Conditions:
Cardiovascular phenotype. Identifiers: MedGen CN230736.
Cardiomyopathy (CMYO). Also called: Cardiomyopathies. Identifiers: Orphanet 167848, MedGen C0878544, MONDO:0004994, HP:0001638. Inheritance: Various modes of inheritance.
Hypertrophic cardiomyopathy. Also called: HYPERTROPHIC MYOCARDIOPATHY. Identifiers: Orphanet 217569, MedGen C0007194, MeSH D002312, MONDO:0005045, HP:0001639.

Allele frequency attached by ClinVar (database versions not stated): gnomAD exomes 0.00001 and 0.00002; gnomAD 0.00002; TOPMed 0.00002.

Submissions (7):

Labcorp Genetics (formerly Invitae), Labcorp
Classification: Uncertain significance for Hypertrophic cardiomyopathy. Last evaluated: 2025-06-27. Review status: criteria provided, single submitter. Criteria: Invitae Variant Classification Sherloc (09022015). Collection method: clinical testing. Allele origin: germline.
Comment: This sequence change replaces valine, which is neutral and non-polar, with methionine, which is neutral and non-polar, at codon 52 of the MYH7 protein (p.Val52Met). This variant is present in population databases (rs730880919, gnomAD 0.007%). This missense change has been observed in individual(s) with hypertrophic cardiomyopathy (PMID: 32894683). ClinVar contains an entry for this variant (Variation ID: 181398). Invitae Evidence Modeling of protein sequence and biophysical properties (such as structural, functional, and spatial information, amino acid conservation, physicochemical variation, residue mobility, and thermodynamic stability) indicates that this missense variant is not expected to disrupt MYH7 protein function with a negative predictive value of 95%. In summary, the available evidence is currently insufficient to determine the role of this variant in disease. Therefore, it has been classified as a Variant of Uncertain Significance.

GeneDx
Classification: Uncertain significance. Last evaluated: 2025-05-14. Review status: criteria provided, single submitter. Criteria: GeneDx Variant Classification Process June 2021. Collection method: clinical testing. Allele origin: germline. Affected: yes.
Comment: Not observed at significant frequency in large population cohorts (gnomAD); In silico analysis suggests that this missense variant does not alter protein structure/function; Reported previously in a patient with a clinical diagnosis of HCM (PMID: 24793961); This variant is associated with the following publications: (PMID: 22958901, 32894683, 27247418, 24793961)

All of Us Research Program, National Institutes of Health
Classification: Uncertain significance for Cardiomyopathy. Last evaluated: 2024-08-23. Review status: criteria provided, single submitter. Criteria: ACMG Guidelines, 2015. Collection method: clinical testing. Allele origin: germline. Inheritance: Autosomal dominant inheritance. Observed: 3 variant alleles, 3 heterozygotes.
Comment: This missense variant replaces valine with methionine at codon 52 of the MYH7 protein. Computational prediction tools indicate that this variant has a neutral impact on protein structure and function. To our knowledge, functional studies have not been reported for this variant. This variant has been reported in an individual affected with hypertrophic cardiomyopathy (PMID: 24793961, 32894683). This variant has been identified in 2/251448 chromosomes in the general population by the Genome Aggregation Database (gnomAD). The available evidence is insufficient to determine the role of this variant in disease conclusively. Therefore, this variant is classified as a Variant of Uncertain Significance.

This study involves interpretation of variants in research participants for the purpose of population health screening. Participant phenotype was not available at the time of variant classification. Additional details can be found in publication PMID: 35346344, PMCID: PMC8962531

Color Diagnostics, LLC DBA Color Health
Classification: Uncertain significance for Cardiomyopathy. Last evaluated: 2024-08-07. Review status: criteria provided, single submitter. Criteria: ACMG Guidelines, 2015. Collection method: clinical testing. Allele origin: germline.
Comment: This missense variant replaces valine with methionine at codon 52 of the MYH7 protein. Computational prediction tools indicate that this variant has a neutral impact on protein structure and function. To our knowledge, functional studies have not been reported for this variant. This variant has been reported in an individual affected with hypertrophic cardiomyopathy (PMID: 24793961, 32894683). This variant has been identified in 2/251448 chromosomes in the general population by the Genome Aggregation Database (gnomAD). The available evidence is insufficient to determine the role of this variant in disease conclusively. Therefore, this variant is classified as a Variant of Uncertain Significance.

CeGaT Center for Human Genetics Tuebingen
Classification: Uncertain significance. Last evaluated: 2024-04-01. Review status: criteria provided, single submitter. Criteria: CeGaT Center For Human Genetics Tuebingen Variant Classification Criteria Version 2. Collection method: clinical testing. Allele origin: germline. Affected: yes. Observed: 2 variant alleles.
Comment: MYH7: PM2, BP4

Ambry Genetics
Classification: Likely benign for Cardiovascular phenotype. Last evaluated: 2022-02-04. Review status: criteria provided, single submitter. Criteria: Ambry Variant Classification Scheme 2023. Collection method: clinical testing. Allele origin: germline.

CHEO Genetics Diagnostic Laboratory, Children's Hospital of Eastern Ontario
Classification: Uncertain significance for Cardiomyopathy. Last evaluated: 2021-06-07. Review status: criteria provided, single submitter. Criteria: ACMG Guidelines, 2015. Collection method: clinical testing. Allele origin: germline.

Literature cited by the submitters: PubMed 32894683 (cited by 4 submitters); PubMed 24793961 (cited by All of Us Research Program, National Institutes of Health and Color Diagnostics, LLC DBA Color Health); PubMed 27247418 (cited by Ambry Genetics).

NM_000257.4(MYH7):c.154G>A (p.Val52Met)

Gene: MYH7 (myosin heavy chain 7; minus strand). Cytogenetic location: 14q11.2.
Variant type: single nucleotide variant.
Coding change: c.154G>A on transcript NM_000257.4 (MANE Select); coding-DNA position 154, G replaced by A.
Protein change: p.Val52Met; replaces valine 52 with methionine.
Molecular consequence: missense variant.
Genome position (GRCh38, 1-based): chr14:23,433,579, C>T on the plus strand (G>A on the coding strand, the complement: MYH7 is on the minus strand). VCF-style: chr14-23433579-C-T. GRCh37 (hg19) VCF-style: chr14-23902788-C-T.
Other names: p.V52M:GTG>ATG; c.154G>A (LRG_384t1); short protein forms V52M.
Identifiers: ClinVar variation 181398 (VCV000181398.47), dbSNP rs730880919, ClinGen allele CA010937.
Genomic context (GRCh38, chr14:23,433,579, plus strand): 5'-GCCTGACACCCACCTTGCCATACTCGGTCTCGGCAGTGACTTTGCCACCCTCTCGAGACA[C>T]GATCTTGGCCTTGACAAACTCCTGTTTGTCATCAGGCACGAAGACATCCTTCTTGAGGTC-3'
Protein context (NP_000248.2, residues 42-62): DKQEFVKAKI[Val52Met]SREGGKVTAE